The following is an entry in ClinVar:

NM_000382.3(ALDH3A2):c.554G>A (p.Gly185Glu)

Gene: ALDH3A2 (aldehyde dehydrogenase 3 family member A2; plus strand). Cytogenetic location: 17p11.2.
Variant type: single nucleotide variant.
Coding change: c.554G>A on transcript NM_000382.3 (MANE Select); coding-DNA position 554, G replaced by A.
Protein change: p.Gly185Glu; replaces glycine 185 with glutamic acid.
Molecular consequence: missense variant. On other transcripts: 5 prime UTR variant (1).
Genome position (GRCh38, 1-based): chr17:19,656,448, G>A. VCF-style: chr17-19656448-G-A. GRCh37 (hg19) VCF-style: chr17-19559761-G-A.
Other names: c.554G>A, p.Gly185Glu (NM_001031806.2, NM_001369136.1, NM_001369137.2 and 3 more transcripts); c.-26G>A (NM_001369148.2); short protein forms G185E.
Identifiers: ClinVar variation 1019552 (VCV001019552.7), dbSNP rs72547563, ClinGen allele CA8442850.

ClinVar aggregate classification (germline): Pathogenic/Likely pathogenic. Review status: criteria provided, multiple submitters, no conflicts (2 of 4 stars). 2 submissions from 2 submitters: Pathogenic (1); Likely pathogenic (1). Last evaluated 2024-08-03.

Allele frequency attached by ClinVar (database versions not stated): gnomAD exomes 0.00001; ExAC 0.00001.
gnomAD v4.1: 2 of 1,614,060 alleles (0.00012%); highest among the groups gnomAD compares: Admixed American, 0.0033%; no homozygotes.

Submissions (2):

GeneDx
Classification: Likely pathogenic. Last evaluated: 2024-08-03. Review status: criteria provided, single submitter. Criteria: GeneDx Variant Classification Process June 2021. Collection method: clinical testing. Allele origin: germline.
Comment: Not observed at significant frequency in large population cohorts (gnomAD); In silico analysis supports that this missense variant has a deleterious effect on protein structure/function; Has not been previously published as pathogenic or benign to our knowledge

Labcorp Genetics (formerly Invitae), Labcorp
Classification: Pathogenic. Last evaluated: 2024-03-14. Review status: criteria provided, single submitter. Criteria: Invitae Variant Classification Sherloc (09022015). Collection method: clinical testing. Allele origin: germline.
Comment: This sequence change replaces glycine, which is neutral and non-polar, with glutamic acid, which is acidic and polar, at codon 185 of the ALDH3A2 protein (p.Gly185Glu). This variant is present in population databases (rs72547563, gnomAD 0.009%). This missense change has been observed in individual(s) with Sjögren-Larsson syndrome (Invitae). ClinVar contains an entry for this variant (Variation ID: 1019552). Advanced modeling of protein sequence and biophysical properties (such as structural, functional, and spatial information, amino acid conservation, physicochemical variation, residue mobility, and thermodynamic stability) performed at Invitae indicates that this missense variant is expected to disrupt ALDH3A2 protein function with a positive predictive value of 95%. For these reasons, this variant has been classified as Pathogenic.